The following is an entry in ClinVar:

ClinVar aggregate classification (germline): Conflicting classifications of pathogenicity. Review status: criteria provided, conflicting classifications (1 of 4 stars). 5 submissions from 5 submitters: Uncertain significance (4); Likely benign (1). Last evaluated 2025-01-15.

Allele frequency attached by ClinVar (database versions not stated): ExAC 0.00001; gnomAD 0.00001; TOPMed 0.00001; gnomAD exomes 0.00002 and 0.00004; ESP Exome Variant Server 0.00008.
gnomAD v4.1: 27 of 1,613,798 alleles (0.0017%); highest among the groups gnomAD compares: Non-Finnish European, 0.0021%; no homozygotes.

Submissions (5):

GeneDx
Classification: Uncertain significance. Last evaluated: 2025-01-15. Review status: criteria provided, single submitter. Criteria: GeneDx Variant Classification Process June 2021. Collection method: clinical testing. Allele origin: germline. Affected: yes.
Comment: Not observed at significant frequency in large population cohorts (gnomAD); Has not been previously published as pathogenic or benign to our knowledge; In silico analysis suggests this variant may impact gene splicing. In the absence of RNA/functional studies, the actual effect of this sequence change is unknown.

Labcorp Genetics (formerly Invitae), Labcorp
Classification: Uncertain significance. Last evaluated: 2024-09-23. Review status: criteria provided, single submitter. Criteria: Invitae Variant Classification Sherloc (09022015). Collection method: clinical testing. Allele origin: germline.
Comment: This sequence change falls in intron 6 of the SYNE4 gene. It does not directly change the encoded amino acid sequence of the SYNE4 protein. It affects a nucleotide within the consensus splice site. This variant is present in population databases (rs369269989, gnomAD 0.004%). This variant has not been reported in the literature in individuals affected with SYNE4-related conditions. ClinVar contains an entry for this variant (Variation ID: 504861). Variants that disrupt the consensus splice site are a relatively common cause of aberrant splicing (PMID: 17576681, 9536098). Algorithms developed to predict the effect of sequence changes on RNA splicing suggest that this variant may disrupt the consensus splice site. In summary, the available evidence is currently insufficient to determine the role of this variant in disease. Therefore, it has been classified as a Variant of Uncertain Significance.

Blueprint Genetics
Classification: Uncertain significance. Last evaluated: 2022-12-19. Review status: criteria provided, single submitter. Criteria: ACMG Guidelines, 2015. Collection method: clinical testing. Allele origin: germline.

Athena Diagnostics
Classification: Likely benign. Last evaluated: 2018-11-27. Review status: criteria provided, single submitter. Criteria: Athena Diagnostics Criteria. Collection method: clinical testing. Allele origin: germline.

Laboratory for Molecular Medicine, Mass General Brigham Personalized Medicine
Classification: Uncertain significance. Last evaluated: 2017-07-05. Review status: criteria provided, single submitter. Criteria: LMM Criteria. Collection method: clinical testing. Allele origin: germline. Observed: 1 variant allele.
Comment: The c.972+5G>A variant in SYNE4 has not been previously reported in individuals with hearing loss, but has been identified in 5/111676 European chromosomes by t he Genome Aggregation Database (gnomAD; dbSNP rs369269989). Although this variant has been seen in the general population, it s frequency is not high enough to rule out a pathogenic role. This variant is lo cated in the 5' splice region. Computational tools do not suggest an impact to s plicing. However, this information is not predictive enough to rule out pathogen icity. In summary, the clinical significance of the c.972+5G>A variant is uncert ain.

Literature cited by the submitters: PubMed 17576681 (cited by Labcorp Genetics (formerly Invitae), Labcorp); PubMed 9536098 (cited by Labcorp Genetics (formerly Invitae), Labcorp).

NM_001039876.3(SYNE4):c.972+5G>A

Gene: SYNE4 (spectrin repeat containing nuclear envelope family member 4; minus strand). Cytogenetic location: 19q13.12.
Variant type: single nucleotide variant.
Coding change: c.972+5G>A on transcript NM_001039876.3 (MANE Select); 5 bases into the intron after coding-DNA position 972, G replaced by A.
Molecular consequence: intron variant.
Genome position (GRCh38, 1-based): chr19:36,005,328, C>T on the plus strand (G>A on the coding strand, the complement: SYNE4 is on the minus strand). VCF-style: chr19-36005328-C-T. GRCh37 (hg19) VCF-style: chr19-36496230-C-T.
Other names: c.633+5G>A (NM_001297735.3).
Identifiers: ClinVar variation 504861 (VCV000504861.10), dbSNP rs369269989, ClinGen allele CA9393794.
Genomic context (GRCh38, chr19:36,005,328, plus strand): 5'-TCTTGGGTTTCTGTCACTTGCCATCAAGATTCCTGAGTGCTACACCTGGTTGAGAACTGG[C>T]TCACCTGAGGCTTCCGGAGCAGGGAGTGTCTTTGGTGACGTGCTAAGCGTTTCTGGTGGC-3'